The following is an entry in ClinVar:

ClinVar aggregate classification (germline): Likely benign (1 of 4 stars; one submission).

Conditions:
Autosomal dominant nonsyndromic hearing loss 5. Identifiers: Orphanet 90635, MedGen C1832932, MONDO:0010973, OMIM 600994.

Allele frequency attached by ClinVar (database versions not stated): gnomAD 0.00005 and 0.00007; gnomAD exomes 0.00011; TOPMed 0.00011; 1000 Genomes Project 30x 0.00031; 1000 Genomes Project 0.00060.
gnomAD v4.1: 23 of 265,550 alleles (0.0087%); highest among the groups gnomAD compares: East Asian, 0.21%; 1 homozygote.

Submission:

Illumina Laboratory Services, Illumina
Classification: Likely benign for Autosomal dominant nonsyndromic hearing loss 5. Last evaluated: 2018-01-13. Review status: criteria provided, single submitter. Criteria: ICSL Variant Classification Criteria 13 December 2019. Collection method: clinical testing. Allele origin: germline.
Comment: This variant was observed in the ICSL laboratory as part of a predisposition screen in an ostensibly healthy population. It had not been previously curated by ICSL or reported in the Human Gene Mutation Database (HGMD: prior to June 1st, 2018), and was therefore a candidate for classification through an automated scoring system. Utilizing variant allele frequency, disease prevalence and penetrance estimates, and inheritance mode, an automated score was calculated to assess if this variant is too frequent to cause the disease. Based on the score and internal cut-off values, a variant classified as likely benign is not then subjected to further curation. The score for this variant resulted in a classification of likely benign for this disease.

NM_001127453.2(GSDME):c.*429T>C

Gene: GSDME (gasdermin E; minus strand). Cytogenetic location: 7p15.3.
Variant type: single nucleotide variant.
Coding change: c.*429T>C on transcript NM_001127453.2 (MANE Select); 429 bases downstream of the stop codon, T replaced by C.
Molecular consequence: 3 prime UTR variant.
Genome position (GRCh38, 1-based): chr7:24,698,597, A>G on the plus strand (T>C on the coding strand, the complement: GSDME is on the minus strand). VCF-style: chr7-24698597-A-G. GRCh37 (hg19) VCF-style: chr7-24738216-A-G.
Other names: c.*429T>C (NM_001127454.2, NM_004403.3).
Identifiers: ClinVar variation 359827 (VCV000359827.5), dbSNP rs538502935, ClinGen allele CA10628993.